The following is an entry in ClinVar:

ClinVar aggregate classification (germline): Uncertain significance (1 of 4 stars; one submission).

Conditions:
Dilated cardiomyopathy 1DD (CMD1DD). Identifiers: Orphanet 154, MedGen C2750995, MONDO:0013168, OMIM 613172.

gnomAD v4.1: 2 of 1,468,654 alleles (0.00014%); highest among the groups gnomAD compares: African/African-American, 0.0014%; no homozygotes.

Submission:

Labcorp Genetics (formerly Invitae), Labcorp
Classification: Uncertain significance for Dilated cardiomyopathy 1DD. Last evaluated: 2024-11-05. Review status: criteria provided, single submitter. Criteria: Invitae Variant Classification Sherloc (09022015). Collection method: clinical testing. Allele origin: germline.
Comment: This sequence change replaces arginine, which is basic and polar, with lysine, which is basic and polar, at codon 830 of the RBM20 protein (p.Arg830Lys). This variant is not present in population databases (gnomAD no frequency). This variant has not been reported in the literature in individuals affected with RBM20-related conditions. Invitae Evidence Modeling of protein sequence and biophysical properties (such as structural, functional, and spatial information, amino acid conservation, physicochemical variation, residue mobility, and thermodynamic stability) indicates that this missense variant is not expected to disrupt RBM20 protein function with a negative predictive value of 95%. In summary, the available evidence is currently insufficient to determine the role of this variant in disease. Therefore, it has been classified as a Variant of Uncertain Significance.

NM_001134363.3(RBM20):c.2489G>A (p.Arg830Lys)

Gene: RBM20 (RNA binding motif protein 20; plus strand). Cytogenetic location: 10q25.2.
Variant type: single nucleotide variant.
Coding change: c.2489G>A on transcript NM_001134363.3 (MANE Select); coding-DNA position 2489, G replaced by A.
Protein change: p.Arg830Lys; replaces arginine 830 with lysine.
Molecular consequence: missense variant.
Genome position (GRCh38, 1-based): chr10:110,812,886, G>A. VCF-style: chr10-110812886-G-A. GRCh37 (hg19) VCF-style: chr10-112572644-G-A.
Other names: short protein forms R830K.
Identifiers: ClinVar variation 3718539 (VCV003718539.1).